The following is an entry in ClinVar:

ClinVar aggregate classification (germline): Uncertain significance (1 of 4 stars; one submission).

Conditions:
Congenital contractural arachnodactyly (CCA). Also called: BEALS SYNDROME; Arthrogryposis, distal, type 9; Beals-Hecht syndrome. Identifiers: Orphanet 115, MedGen C0220668, MONDO:0007363, OMIM 121050.

Submission:

Labcorp Genetics (formerly Invitae), Labcorp
Classification: Uncertain significance for Congenital contractural arachnodactyly. Last evaluated: 2023-10-30. Review status: criteria provided, single submitter. Criteria: Invitae Variant Classification Sherloc (09022015). Collection method: clinical testing. Allele origin: germline.
Comment: This sequence change replaces valine, which is neutral and non-polar, with alanine, which is neutral and non-polar, at codon 2390 of the FBN2 protein (p.Val2390Ala). This variant is not present in population databases (gnomAD no frequency). This variant has not been reported in the literature in individuals affected with FBN2-related conditions. Advanced modeling of protein sequence and biophysical properties (such as structural, functional, and spatial information, amino acid conservation, physicochemical variation, residue mobility, and thermodynamic stability) performed at Invitae indicates that this missense variant is not expected to disrupt FBN2 protein function with a negative predictive value of 80%. In summary, the available evidence is currently insufficient to determine the role of this variant in disease. Therefore, it has been classified as a Variant of Uncertain Significance.

NM_001999.4(FBN2):c.7169T>C (p.Val2390Ala)

Gene: FBN2 (fibrillin 2; minus strand). Cytogenetic location: 5q23.3.
Variant type: single nucleotide variant.
Coding change: c.7169T>C on transcript NM_001999.4 (MANE Select); coding-DNA position 7169, T replaced by C.
Protein change: p.Val2390Ala; replaces valine 2390 with alanine.
Molecular consequence: missense variant.
Genome position (GRCh38, 1-based): chr5:128,278,811, A>G on the plus strand (T>C on the coding strand, the complement: FBN2 is on the minus strand). VCF-style: chr5-128278811-A-G. GRCh37 (hg19) VCF-style: chr5-127614503-A-G.
Other names: short protein forms V2390A.
Identifiers: ClinVar variation 3017772 (VCV003017772.3), dbSNP rs2479652075, ClinGen allele CA360756721.